The following is an entry in ClinVar:

ClinVar aggregate classification (germline): Uncertain significance (1 of 4 stars; one submission).

Allele frequency attached by ClinVar (database versions not stated): TOPMed below 0.00001 and 0.00001; gnomAD 0.00001.
gnomAD v4.1: 1 of 1,613,948 alleles (0.000062%); highest among the groups gnomAD compares: Non-Finnish European, 0.000085%; no homozygotes.

Submission:

GeneDx
Classification: Uncertain significance. Last evaluated: 2017-06-07. Review status: criteria provided, single submitter. Criteria: GeneDx Variant Classification (06012015). Collection method: clinical testing. Allele origin: germline. Affected: yes.
Comment: The c.-54-7C>T variant in the SCNN1A gene has not been reported previously as a pathogenic variant nor as a benign variant, to our knowledge. Splicing algorithms are uninformative for this variant as the natural splice donor site for intron 1 is not predicted. Although this variant may create a new cryptic splice donor site, in the absence of RNA/functional studies, the actual effect of c.-54-7C>T in this individual is unknown. The c.-54-7C>T variant is not observed in large population cohorts (Lek et al., 2016; 1000 Genomes Consortium et al., 2015; Exome Variant Server). We interpret c.-54-7C>T as a variant of uncertain significance.

NM_001038.6(SCNN1A):c.-54-7C>T

Gene: SCNN1A (sodium channel epithelial 1 subunit alpha; minus strand). Cytogenetic location: 12p13.31.
Variant type: single nucleotide variant.
Coding change: c.-54-7C>T on transcript NM_001038.6 (MANE Select); 7 bases into the intron before 54 bases upstream of the start codon, C replaced by T.
Molecular consequence: intron variant. On other transcripts: synonymous variant (1).
Genome position (GRCh38, 1-based): chr12:6,374,844, G>A on the plus strand (C>T on the coding strand, the complement: SCNN1A is on the minus strand). VCF-style: chr12-6374844-G-A. GRCh37 (hg19) VCF-style: chr12-6484010-G-A.
Other names: c.117C>T, p.Leu39= (NM_001159576.2); c.16-7C>T (NM_001159575.2).
Identifiers: ClinVar variation 432477 (VCV000432477.2), dbSNP rs1307927759, ClinGen allele CA478505466.